The following is an entry in ClinVar:

NM_000179.3(MSH6):c.2014A>T (p.Thr672Ser)

Gene: MSH6 (mutS homolog 6; plus strand). Cytogenetic location: 2p16.3.
Variant type: single nucleotide variant.
Coding change: c.2014A>T on transcript NM_000179.3 (MANE Select); coding-DNA position 2014, A replaced by T.
Protein change: p.Thr672Ser; replaces threonine 672 with serine.
Molecular consequence: missense variant. On other transcripts: non-coding transcript variant (5), intron variant (2).
Genome position (GRCh38, 1-based): chr2:47,799,997, A>T. VCF-style: chr2-47799997-A-T. GRCh37 (hg19) VCF-style: chr2-48027136-A-T.
Other names: c.1624A>T, p.Thr542Ser (NM_001281492.2); c.1108A>T, p.Thr370Ser (NM_001281493.2, NM_001281494.2, NM_001406811.1 and 6 more transcripts); c.2110A>T, p.Thr704Ser (NM_001406795.1, NM_001406802.1); c.2014A>T, p.Thr672Ser (NM_001406796.1, NM_001406798.1, NM_001406800.1 and 3 more transcripts); c.1717A>T, p.Thr573Ser (NM_001406797.1, NM_001406801.1, NM_001406805.1 and 10 more transcripts); c.1489A>T, p.Thr497Ser (NM_001406799.1, NM_001406806.1, NM_001406807.1); c.1936A>T, p.Thr646Ser (NM_001406804.1); c.2020A>T, p.Thr674Ser (NM_001406813.1); and 3 more; short protein forms T370S, T674S, T646S, T672S, T704S, T497S, T616S, T542S.
Identifiers: ClinVar variation 3913713 (VCV003913713.1).

ClinVar aggregate classification (germline): Uncertain significance (1 of 4 stars; one submission).

Conditions:
Hereditary cancer-predisposing syndrome. Also called: Hereditary Cancer Syndrome; Hereditary neoplastic syndrome; Neoplastic Syndromes, Hereditary; Tumor predisposition. Identifiers: Orphanet 140162, MedGen C0027672, MeSH D009386, MONDO:0015356.

Submission:

Ambry Genetics
Classification: Uncertain significance for Hereditary cancer-predisposing syndrome. Last evaluated: 2025-03-21. Review status: criteria provided, single submitter. Criteria: Ambry Variant Classification Scheme 2023. Collection method: clinical testing. Allele origin: germline.
Comment: The p.T672S variant (also known as c.2014A>T), located in coding exon 4 of the MSH6 gene, results from an A to T substitution at nucleotide position 2014. The threonine at codon 672 is replaced by serine, an amino acid with similar properties. This amino acid position is conserved. In addition, the in silico prediction for this alteration is inconclusive. Based on the available evidence, the clinical significance of this variant remains unclear.